The following is an entry in ClinVar:

NM_001458.5(FLNC):c.6569G>C (p.Arg2190Pro)

Genes: FLNC-AS1 (FLNC antisense RNA 1; minus strand), FLNC (filamin C; plus strand). Cytogenetic location: 7q32.1.
Variant type: single nucleotide variant.
Coding change: c.6569G>C on transcript NM_001458.5 (MANE Select); coding-DNA position 6569, G replaced by C.
Protein change: p.Arg2190Pro; replaces arginine 2190 with proline.
Molecular consequence: missense variant.
Genome position (GRCh38, 1-based): chr7:128,854,058, G>C. VCF-style: chr7-128854058-G-C. GRCh37 (hg19) VCF-style: chr7-128494112-G-C.
Other names: c.6470G>C, p.Arg2157Pro (NM_001127487.2); short protein forms R2157P, R2190P.
Identifiers: ClinVar variation 1311464 (VCV001311464.9), dbSNP rs762680314, ClinGen allele CA369212840.

ClinVar aggregate classification (germline): Conflicting classifications of pathogenicity. Review status: criteria provided, conflicting classifications (1 of 4 stars). 2 submissions from 2 submitters: Likely pathogenic (1); Uncertain significance (1). Last evaluated 2025-11-24.

Conditions:
Hypertrophic cardiomyopathy 26. Also called: Cardiomyopathy, familial hypertrophic, 26. Identifiers: Orphanet 75249, MedGen C4310749, MONDO:0014883, OMIM 617047.
Myofibrillar myopathy 5. Also called: FILAMINOPATHY, AUTOSOMAL DOMINANT; Filaminopathy (type). Identifiers: Orphanet 171445, MedGen C1836050, MONDO:0012289, OMIM 609524.
Distal myopathy with posterior leg and anterior hand involvement. Also called: WILLIAMS DISTAL MYOPATHY. Identifiers: Orphanet 63273, MedGen C3279722, MONDO:0013550, OMIM 614065.

Submissions (2):

Labcorp Genetics (formerly Invitae), Labcorp
Classification: Likely pathogenic for Distal myopathy with posterior leg and anterior hand involvement; Myofibrillar myopathy 5; Hypertrophic cardiomyopathy 26. Last evaluated: 2025-11-24. Review status: criteria provided, single submitter. Criteria: Invitae Variant Classification Sherloc (09022015). Collection method: clinical testing. Allele origin: germline.
Comment: This sequence change replaces arginine, which is basic and polar, with proline, which is neutral and non-polar, at codon 2190 of the FLNC protein (p.Arg2190Pro). This variant is not present in population databases (gnomAD no frequency). This missense change has been observed in individual(s) with clinical features of dilated cardiomyopathy (internal data). In at least one individual the variant was observed to be de novo. ClinVar contains an entry for this variant (Variation ID: 1311464). An algorithm developed to predict the effect of missense changes on protein structure and function (PolyPhen-2) suggests that this variant is likely to be tolerated. In summary, the currently available evidence indicates that the variant is pathogenic, but additional data are needed to prove that conclusively. Therefore, this variant has been classified as Likely Pathogenic.

GeneDx
Classification: Uncertain significance. Last evaluated: 2019-12-31. Review status: criteria provided, single submitter. Criteria: GeneDx Variant Classification Process June 2021. Collection method: clinical testing. Allele origin: germline. Affected: yes.
Comment: Has not been previously published as pathogenic or benign to our knowledge; Not observed in large population cohorts (Lek et al., 2016); In silico analysis, which includes protein predictors and evolutionary conservation, supports that this variant does not alter protein structure/function